The following is an entry in ClinVar:

NM_031296.3(RAB33B):c.*1077G>A

Gene: RAB33B (RAB33B, member RAS oncogene family; plus strand). Cytogenetic location: 4q31.1.
Variant type: single nucleotide variant.
Coding change: c.*1077G>A on transcript NM_031296.3 (MANE Select); 1077 bases downstream of the stop codon, G replaced by A.
Molecular consequence: 3 prime UTR variant.
Genome position (GRCh38, 1-based): chr4:139,474,203, G>A. VCF-style: chr4-139474203-G-A. GRCh37 (hg19) VCF-style: chr4-140395357-G-A.
Identifiers: ClinVar variation 347581 (VCV000347581.5), dbSNP rs115582784, ClinGen allele CA10617085.

ClinVar aggregate classification (germline): Benign (1 of 4 stars; one submission).

Conditions:
Smith-McCort dysplasia 2 (SMC2). Identifiers: MedGen C3714896, MONDO:0014087, OMIM 615222.

Allele frequency attached by ClinVar (database versions not stated): gnomAD 0.00830 and 0.00878; TOPMed 0.00969; 1000 Genomes Project 0.01058; 1000 Genomes Project 30x 0.01140.

Submission:

Illumina Laboratory Services, Illumina
Classification: Benign for Smith-McCort dysplasia 2. Last evaluated: 2018-01-13. Review status: criteria provided, single submitter. Criteria: ICSL Variant Classification Criteria 13 December 2019. Collection method: clinical testing. Allele origin: germline.
Comment: This variant was observed in the ICSL laboratory as part of a predisposition screen in an ostensibly healthy population. It had not been previously curated by ICSL or reported in the Human Gene Mutation Database (HGMD: prior to June 1st, 2018), and was therefore a candidate for classification through an automated scoring system. Utilizing variant allele frequency, disease prevalence and penetrance estimates, and inheritance mode, an automated score was calculated to assess if this variant is too frequent to cause the disease. Based on the score and internal cut-off values, a variant classified as benign is not then subjected to further curation. The score for this variant resulted in a classification of benign for this disease.